The following is an entry in ClinVar:

ClinVar aggregate classification (germline): Uncertain significance (0 of 4 stars; one submission).

Conditions:
CFAP418-related disorder. Also called: CFAP418-related condition.

Submission:

PreventionGenetics, part of Exact Sciences
Classification: Uncertain significance for CFAP418-related condition. Last evaluated: 2024-07-20. Review status: no assertion criteria provided. Collection method: clinical testing. Allele origin: germline.
Comment: The CFAP418 c.11A>T variant is predicted to result in the amino acid substitution p.Asp4Val. To our knowledge, this variant has not been reported in the literature or in a large population database, indicating this variant is rare. At this time, the clinical significance of this variant is uncertain due to the absence of conclusive functional and genetic evidence.

NM_177965.4(CFAP418):c.11A>T (p.Asp4Val)

Genes: CFAP418 (cilia and flagella associated protein 418; minus strand), CFAP418-AS1 (CFAP418 antisense RNA 1; plus strand), LOC130000784 (ATAC-STARR-seq lymphoblastoid active region 27655; plus strand). Cytogenetic location: 8q22.1.
Variant type: single nucleotide variant.
Coding change: c.11A>T on transcript NM_177965.4 (MANE Select); coding-DNA position 11, A replaced by T.
Protein change: p.Asp4Val; replaces aspartic acid 4 with valine.
Molecular consequence: missense variant.
Genome position (GRCh38, 1-based): chr8:95,269,179, T>A on the plus strand (A>T on the coding strand, the complement: CFAP418 is on the minus strand). VCF-style: chr8-95269179-T-A. GRCh37 (hg19) VCF-style: chr8-96281407-T-A.
Other names: c.11A>T, p.Asp4Val (NM_001363260.1); short protein forms D4V.
Identifiers: ClinVar variation 3346283 (VCV003346283.1).